The following is an entry in ClinVar:

ClinVar aggregate classification (germline): Uncertain significance (1 of 4 stars; one submission).

Conditions:
Ataxia-telangiectasia syndrome (AT). Also called: LOUIS-BAR SYNDROME; Cerebello-oculocutaneous telangiectasia; Immunodeficiency with ataxia telangiectasia; Ataxia telangiectasia (A-T); Ataxia-telangiectasia, complementation group D; AT, COMPLEMENTATION GROUP C. Identifiers: Orphanet 100, MedGen C0004135, MONDO:0008840, OMIM 208900.

Submission:

Labcorp Genetics (formerly Invitae), Labcorp
Classification: Uncertain significance for Ataxia-telangiectasia syndrome. Last evaluated: 2021-06-05. Review status: criteria provided, single submitter. Criteria: Invitae Variant Classification Sherloc (09022015). Collection method: clinical testing. Allele origin: germline.
Comment: This sequence change replaces alanine with proline at codon 2893 of the ATM protein (p.Ala2893Pro). The alanine residue is highly conserved and there is a small physicochemical difference between alanine and proline. This variant is not present in population databases (ExAC no frequency). This variant has not been reported in the literature in individuals with ATM-related conditions. Advanced modeling of protein sequence and biophysical properties (such as structural, functional, and spatial information, amino acid conservation, physicochemical variation, residue mobility, and thermodynamic stability) performed at Invitae indicates that this missense variant is expected to disrupt ATM protein function. In summary, the available evidence is currently insufficient to determine the role of this variant in disease. Therefore, it has been classified as a Variant of Uncertain Significance.

NM_000051.4(ATM):c.8677G>C (p.Ala2893Pro)

Genes: ATM (ATM serine/threonine kinase; plus strand), C11orf65 (chromosome 11 open reading frame 65; minus strand). Cytogenetic location: 11q22.3.
Variant type: single nucleotide variant.
Coding change: c.8677G>C on transcript NM_000051.4 (MANE Select); coding-DNA position 8677, G replaced by C.
Protein change: p.Ala2893Pro; replaces alanine 2893 with proline.
Molecular consequence: missense variant. On other transcripts: intron variant (2).
Genome position (GRCh38, 1-based): chr11:108,353,771, G>C. VCF-style: chr11-108353771-G-C. GRCh37 (hg19) VCF-style: chr11-108224498-G-C.
Other names: c.8677G>C, p.Ala2893Pro (NM_001351834.2); c.640+32149C>G (NM_001330368.2); c.695-18479C>G (NM_001351110.2); short protein forms A2893P.
Identifiers: ClinVar variation 1466303 (VCV001466303.8), dbSNP rs1555142808, ClinGen allele CA382523468.